The following is an entry in ClinVar:

ClinVar aggregate classification (germline): Likely pathogenic (1 of 4 stars; one submission).

Conditions:
Autosomal recessive limb-girdle muscular dystrophy type 2J (LGMDR10). Also called: Limb-girdle muscular dystrophy, type 2J; MUSCULAR DYSTROPHY, LIMB-GIRDLE, AUTOSOMAL RECESSIVE 10. Identifiers: Orphanet 140922, MedGen C1837342, MONDO:0012127, OMIM 608807.
Dilated cardiomyopathy 1G (CMD1G). Identifiers: Orphanet 154, MedGen C1858763, MONDO:0011400, OMIM 604145.

Submission:

Labcorp Genetics (formerly Invitae), Labcorp
Classification: Likely pathogenic for Dilated cardiomyopathy 1G; Autosomal recessive limb-girdle muscular dystrophy type 2J. Last evaluated: 2025-03-09. Review status: criteria provided, single submitter. Criteria: Invitae Variant Classification Sherloc (09022015). Collection method: clinical testing. Allele origin: germline.
Comment: This sequence change creates a premature translational stop signal (p.Glu28132Thrfs*41) in the TTN gene. While this is not anticipated to result in nonsense mediated decay, it is expected to create a truncated TTN protein. This variant is not present in population databases (gnomAD no frequency). This variant has not been reported in the literature in individuals affected with TTN-related conditions. This variant is located in the A band of TTN (PMID: 25589632). Truncating variants in this region are significantly overrepresented in patients affected with dilated cardiomyopathy (PMID: 25589632). Truncating variants in this region have also been reported in individuals affected with autosomal recessive centronuclear myopathy (PMID: 23975875). In summary, the currently available evidence indicates that the variant is pathogenic, but additional data are needed to prove that conclusively. Therefore, this variant has been classified as Likely Pathogenic.

Literature cited by the submitters: PubMed 25589632; PubMed 23975875.

NM_001267550.2(TTN):c.84394_84397del (p.Glu28132fs)

Genes: TTN (titin; minus strand), TTN-AS1 (TTN antisense RNA 1; plus strand). Cytogenetic location: 2q31.2.
Variant type: Deletion.
Coding change: c.84394_84397del on transcript NM_001267550.2 (MANE Select); coding-DNA positions 84394 to 84397, 4 bases deleted (GAAA; older notation c.84394_84397delGAAA).
Protein change: p.Glu28132fs; shifts the reading frame from glutamic acid 28132.
Molecular consequence: frameshift variant.
Genome position (GRCh38, 1-based): chr2:178,561,735-178,561,738, TTTC deleted on the plus strand (GAAA on the coding strand, the reverse complement: TTN is on the minus strand); deleting any 4 consecutive bases within chr2:178,561,735-178,561,739 gives the same sequence; the c. name uses the placement nearest the transcript's 3' end. VCF-style (leftmost placement, unchanged base first): chr2-178561734-TTTTC-T. GRCh37 (hg19) VCF-style: chr2-179426461-TTTTC-T.
Other names: c.79471_79474del, p.Glu26491fs (NM_001256850.1); c.57199_57202del, p.Glu19067fs (NM_003319.4); c.76690_76693del, p.Glu25564fs (NM_133378.4); c.57574_57577del, p.Glu19192fs (NM_133432.3); c.57775_57778del, p.Glu19259fs (NM_133437.4); short protein forms E19192fs, E26491fs, E19067fs, E19259fs, E28132fs, E25564fs.
Identifiers: ClinVar variation 4791074 (VCV004791074.1).
Genomic context (GRCh38, chr2:178,561,734, plus strand): 5'-CTGAATGGATACTCTGCAACAACAGCTGAAGATTCACTGTAGGAGCTCTTTCCATAGCGG[TTTTC>T]TGCACAAACACGGAACTGATACTCACTTCCTGTTGTCAGGCGAACTATTTTAATGGATGT-3'